The following is an entry in ClinVar:

NM_005228.5(EGFR):c.2005C>G (p.Arg669Gly)

Gene: EGFR (epidermal growth factor receptor; plus strand). Cytogenetic location: 7p11.2.
Variant type: single nucleotide variant.
Coding change: c.2005C>G on transcript NM_005228.5 (MANE Select); coding-DNA position 2005, C replaced by G.
Protein change: p.Arg669Gly; replaces arginine 669 with glycine.
Molecular consequence: missense variant.
Genome position (GRCh38, 1-based): chr7:55,173,068, C>G. VCF-style: chr7-55173068-C-G. GRCh37 (hg19) VCF-style: chr7-55240761-C-G.
Other names: c.1870C>G, p.Arg624Gly (NM_001346897.2, NM_001346899.2); c.2005C>G, p.Arg669Gly (NM_001346898.2); c.1846C>G, p.Arg616Gly (NM_001346900.2); c.1204C>G, p.Arg402Gly (NM_001346941.2); short protein forms R616G, R624G, R402G, R669G.
Identifiers: ClinVar variation 2125890 (VCV002125890.4), dbSNP rs1231769201, ClinGen allele CA367583113.

ClinVar aggregate classification (germline): Uncertain significance (1 of 4 stars; one submission).

Conditions:
EGFR-related lung cancer (EGFR). Identifiers: MedGen CN130014.

Submission:

Labcorp Genetics (formerly Invitae), Labcorp
Classification: Uncertain significance for EGFR-related lung cancer. Last evaluated: 2022-04-18. Review status: criteria provided, single submitter. Criteria: Invitae Variant Classification Sherloc (09022015). Collection method: clinical testing. Allele origin: germline.
Comment: In summary, the available evidence is currently insufficient to determine the role of this variant in disease. Therefore, it has been classified as a Variant of Uncertain Significance. Algorithms developed to predict the effect of missense changes on protein structure and function are either unavailable or do not agree on the potential impact of this missense change (SIFT: "Tolerated"; PolyPhen-2: "Probably Damaging"; Align-GVGD: "Class C0"). This variant has not been reported in the literature in individuals affected with EGFR-related conditions. This variant is not present in population databases (gnomAD no frequency). This sequence change replaces arginine, which is basic and polar, with glycine, which is neutral and non-polar, at codon 669 of the EGFR protein (p.Arg669Gly).